The following is an entry in ClinVar:

NM_080680.3(COL11A2):c.2518C>T (p.Arg840Trp)

Gene: COL11A2 (collagen type XI alpha 2 chain; minus strand). Cytogenetic location: 6p21.32.
Variant type: single nucleotide variant.
Coding change: c.2518C>T on transcript NM_080680.3 (MANE Select); coding-DNA position 2518, C replaced by T.
Protein change: p.Arg840Trp; replaces arginine 840 with tryptophan.
Molecular consequence: missense variant.
Genome position (GRCh38, 1-based): chr6:33,174,022, G>A on the plus strand (C>T on the coding strand, the complement: COL11A2 is on the minus strand). VCF-style: chr6-33174022-G-A. GRCh37 (hg19) VCF-style: chr6-33141799-G-A.
Other names: c.2197C>T, p.Arg733Trp (NM_080679.3); c.2260C>T, p.Arg754Trp (NM_080681.3); c.2518C>T (NM_080680.2); short protein forms R733W, R840W, R754W.
Identifiers: ClinVar variation 1432038 (VCV001432038.10), dbSNP rs769151199, ClinGen allele CA3750865.

ClinVar aggregate classification (germline): Conflicting classifications of pathogenicity. Review status: criteria provided, conflicting classifications (1 of 4 stars). 2 submissions from 2 submitters: Uncertain significance (1); Likely benign (1). Last evaluated 2025-07-15.

Allele frequency attached by ClinVar (database versions not stated): gnomAD 0.00001; gnomAD exomes 0.00001 and 0.00002; TOPMed 0.00001; ExAC 0.00003.

Submissions (2):

Labcorp Genetics (formerly Invitae), Labcorp
Classification: Likely benign. Last evaluated: 2025-07-15. Review status: criteria provided, single submitter. Criteria: Invitae Variant Classification Sherloc (09022015). Collection method: clinical testing. Allele origin: germline.

GeneDx
Classification: Uncertain significance. Last evaluated: 2024-06-17. Review status: criteria provided, single submitter. Criteria: GeneDx Variant Classification Process June 2021. Collection method: clinical testing. Allele origin: germline. Affected: yes.
Comment: In silico analysis supports that this missense variant has a deleterious effect on protein structure/function; Has not been previously published as pathogenic or benign to our knowledge